The following is an entry in ClinVar:

NM_020822.3(KCNT1):c.3604G>C (p.Asp1202His)

Gene: KCNT1 (potassium sodium-activated channel subfamily T member 1; plus strand). Cytogenetic location: 9q34.3.
Variant type: single nucleotide variant.
Coding change: c.3604G>C on transcript NM_020822.3 (MANE Select); coding-DNA position 3604, G replaced by C.
Protein change: p.Asp1202His; replaces aspartic acid 1202 with histidine.
Molecular consequence: missense variant.
Genome position (GRCh38, 1-based): chr9:135,792,057, G>C. VCF-style: chr9-135792057-G-C. GRCh37 (hg19) VCF-style: chr9-138683903-G-C.
Other names: c.3532G>C, p.Asp1178His (NM_001272003.2); short protein forms D1178H, D1202H.
Identifiers: ClinVar variation 4086782 (VCV004086782.2).

ClinVar aggregate classification (germline): Uncertain significance. Review status: criteria provided, multiple submitters, no conflicts (2 of 4 stars). 2 submissions from 2 submitters: Uncertain significance (2). Last evaluated 2025-10-29.

Conditions:
Inborn genetic diseases. Identifiers: MedGen C0950123, MeSH D030342.

gnomAD v4.1: 2 of 1,604,148 alleles (0.00012%); highest among the groups gnomAD compares: Non-Finnish European, 0.00017%; no homozygotes.

Submissions (2):

Ambry Genetics
Classification: Uncertain significance for Inborn genetic diseases. Last evaluated: 2025-10-29. Review status: criteria provided, single submitter. Criteria: Ambry Variant Classification Scheme 2023. Collection method: clinical testing. Allele origin: germline.

GeneDx
Classification: Uncertain significance. Last evaluated: 2025-03-20. Review status: criteria provided, single submitter. Criteria: GeneDx Variant Classification Process June 2021. Collection method: clinical testing. Allele origin: germline. Affected: yes.
Comment: Not observed at significant frequency in large population cohorts (gnomAD); In silico analysis supports that this missense variant has a deleterious effect on protein structure/function; In silico analysis suggests this variant may impact gene splicing. In the absence of RNA/functional studies, the actual effect of this sequence change is unknown.; Has not been previously published as pathogenic or benign to our knowledge